The following is an entry in ClinVar:

ClinVar aggregate classification (germline): Uncertain significance (1 of 4 stars; one submission).

Submission:

GeneDx
Classification: Uncertain significance. Last evaluated: 2024-05-18. Review status: criteria provided, single submitter. Criteria: GeneDx Variant Classification Process June 2021. Collection method: clinical testing. Allele origin: germline. Affected: yes.
Comment: Not observed at significant frequency in large population cohorts (gnomAD); In silico analysis indicates that this missense variant does not alter protein structure/function; Has not been previously published as pathogenic or benign to our knowledge

NM_002547.3(OPHN1):c.2207C>T (p.Thr736Ile)

Gene: OPHN1 (oligophrenin 1; minus strand). Cytogenetic location: Xq12.
Variant type: single nucleotide variant.
Coding change: c.2207C>T on transcript NM_002547.3 (MANE Select); coding-DNA position 2207, C replaced by T.
Protein change: p.Thr736Ile; replaces threonine 736 with isoleucine.
Molecular consequence: missense variant.
Genome position (GRCh38, 1-based): chrX:68,053,762, G>A on the plus strand (C>T on the coding strand, the complement: OPHN1 is on the minus strand). VCF-style: chrX-68053762-G-A. GRCh37 (hg19) VCF-style: chrX-67273604-G-A.
Other names: short protein forms T736I.
Identifiers: ClinVar variation 3378167 (VCV003378167.1).